The following is an entry in ClinVar:

ClinVar aggregate classification (germline): Benign/Likely benign. Review status: criteria provided, multiple submitters, no conflicts (2 of 4 stars). 5 submissions from 5 submitters: Benign (1); Likely benign (3). 1 of the submissions does not count toward it. Last evaluated 2026-01-26.

Conditions:
Plasma factor XI deficiency.
Hereditary factor XI deficiency disease. Also called: Congenital factor XI deficiency; PLASMA THROMBOPLASTIN ANTECEDENT DEFICIENCY; PTA DEFICIENCY; ROSENTHAL SYNDROME. Identifiers: Orphanet 329, MedGen C0015523, MeSH D005173, MONDO:0012897, OMIM 612416.

Allele frequency attached by ClinVar (database versions not stated): gnomAD exomes 0.00062; ExAC 0.00066; 1000 Genomes Project 0.00160; 1000 Genomes Project 30x 0.00172; ESP Exome Variant Server 0.00200; gnomAD 0.00227 and 0.00248; TOPMed 0.00244.
gnomAD v4.1: 733 of 1,614,186 alleles (0.045%); highest among the groups gnomAD compares: African/African-American, 0.85%; 2 homozygotes.

Submissions (5):

Labcorp Genetics (formerly Invitae), Labcorp
Classification: Benign. Last evaluated: 2026-01-26. Review status: criteria provided, single submitter. Criteria: Invitae Variant Classification Sherloc (09022015). Collection method: clinical testing. Allele origin: germline.

Blueprint Genetics
Classification: Likely benign. Last evaluated: 2024-11-26. Review status: criteria provided, single submitter. Criteria: ACMG Guidelines, 2015. Collection method: clinical testing. Allele origin: germline.

Illumina Laboratory Services, Illumina
Classification: Likely benign for Hereditary factor XI deficiency disease. Last evaluated: 2018-01-13. Review status: criteria provided, single submitter. Criteria: ICSL Variant Classification Criteria 13 December 2019. Collection method: clinical testing. Allele origin: germline.
Comment: This variant was observed in the ICSL laboratory as part of a predisposition screen in an ostensibly healthy population. It had not been previously curated by ICSL or reported in the Human Gene Mutation Database (HGMD: prior to June 1st, 2018), and was therefore a candidate for classification through an automated scoring system. Utilizing variant allele frequency, disease prevalence and penetrance estimates, and inheritance mode, an automated score was calculated to assess if this variant is too frequent to cause the disease. Based on the score and internal cut-off values, a variant classified as likely benign is not then subjected to further curation. The score for this variant resulted in a classification of likely benign for this disease.

Breakthrough Genomics
Classification: Likely benign. Review status: criteria provided, single submitter. Criteria: ACMG Guidelines, 2015. Collection method: not provided. Allele origin: germline. Inheritance: Unknown mechanism. Affected: yes.

Natera, Inc.
Classification: Benign for Plasma factor XI deficiency. Last evaluated: 2020-09-16. Review status: no assertion criteria provided. Collection method: clinical testing. Allele origin: germline. Not counted in ClinVar's aggregate classification.

NM_000128.4(F11):c.453C>T (p.Tyr151=)

Gene: F11 (coagulation factor XI; plus strand). Cytogenetic location: 4q35.2.
Variant type: single nucleotide variant.
Coding change: c.453C>T on transcript NM_000128.4 (MANE Select); coding-DNA position 453, C replaced by T.
Protein change: p.Tyr151=; no amino-acid change (tyrosine 151 retained).
Molecular consequence: synonymous variant.
Genome position (GRCh38, 1-based): chr4:186,274,243, C>T. VCF-style: chr4-186274243-C-T. GRCh37 (hg19) VCF-style: chr4-187195397-C-T.
Other names: c.453C>T, p.Tyr151= (NM_001354804.2).
Identifiers: ClinVar variation 767985 (VCV000767985.17), dbSNP rs34807019, ClinGen allele CA3163659.
Genomic context (GRCh38, chr4:186,274,243, plus strand): 5'-GAGTGCTCAAGAATGCCAAGAAAGATGCACGGATGACGTCCACTGCCACTTTTTCACGTA[C>T]GCCACAAGGCAGTTTCCCAGCCTGGAGCATCGGTGAGTGAGTCCCAGGACATTCGAGTGG-3'
Protein context (NP_000119.1, residues 141-161): TDDVHCHFFT[Tyr151=]ATRQFPSLEH